The following is an entry in ClinVar:

NM_001278716.2(FBXL4):c.113T>C (p.Ile38Thr)

Gene: FBXL4 (F-box and leucine rich repeat protein 4; minus strand). Cytogenetic location: 6q16.2.
Variant type: single nucleotide variant.
Coding change: c.113T>C on transcript NM_001278716.2 (MANE Select); coding-DNA position 113, T replaced by C.
Protein change: p.Ile38Thr; replaces isoleucine 38 with threonine.
Molecular consequence: missense variant. On other transcripts: non-coding transcript variant (2).
Genome position (GRCh38, 1-based): chr6:98,926,876, A>G on the plus strand (T>C on the coding strand, the complement: FBXL4 is on the minus strand). VCF-style: chr6-98926876-A-G. GRCh37 (hg19) VCF-style: chr6-99374752-A-G.
Other names: c.113T>C, p.Ile38Thr (NM_012160.5); short protein forms I38T.
Identifiers: ClinVar variation 1925695 (VCV001925695.2), dbSNP rs2535147352, ClinGen allele CA365091667.

ClinVar aggregate classification (germline): Uncertain significance (1 of 4 stars; one submission).

Allele frequency attached by ClinVar (database versions not stated): gnomAD exomes below 0.00001.
gnomAD v4.1: 2 of 1,614,156 alleles (0.00012%); highest among the groups gnomAD compares: Non-Finnish European, 0.00017%; no homozygotes.

Submission:

Labcorp Genetics (formerly Invitae), Labcorp
Classification: Uncertain significance. Last evaluated: 2022-01-17. Review status: criteria provided, single submitter. Criteria: Invitae Variant Classification Sherloc (09022015). Collection method: clinical testing. Allele origin: germline.
Comment: This sequence change replaces isoleucine, which is neutral and non-polar, with threonine, which is neutral and polar, at codon 38 of the FBXL4 protein (p.Ile38Thr). This variant is not present in population databases (gnomAD no frequency). This variant has not been reported in the literature in individuals affected with FBXL4-related conditions. Algorithms developed to predict the effect of missense changes on protein structure and function (SIFT, PolyPhen-2, Align-GVGD) all suggest that this variant is likely to be tolerated. In summary, the available evidence is currently insufficient to determine the role of this variant in disease. Therefore, it has been classified as a Variant of Uncertain Significance.